The following is an entry in ClinVar:

NM_007294.4(BRCA1):c.5437G>C (p.Asp1813His)

Gene: BRCA1 (BRCA1 DNA repair associated; minus strand). Cytogenetic location: 17q21.31.
Variant type: single nucleotide variant.
Coding change: c.5437G>C on transcript NM_007294.4 (MANE Select); coding-DNA position 5437, G replaced by C.
Protein change: p.Asp1813His; replaces aspartic acid 1813 with histidine.
Molecular consequence: missense variant. On other transcripts: non-coding transcript variant (1).
Genome position (GRCh38, 1-based): chr17:43,047,673, C>G on the plus strand (G>C on the coding strand, the complement: BRCA1 is on the minus strand). VCF-style: chr17-43047673-C-G. GRCh37 (hg19) VCF-style: chr17-41199690-C-G.
Other names: c.5224G>C, p.Asp1742His (NM_001407571.1, NM_001407900.1, NM_001407902.1 and 12 more transcripts); c.5503G>C, p.Asp1835His (NM_001407581.1, NM_001407582.1); c.5500G>C, p.Asp1834His (NM_001407583.1, NM_001407585.1, NM_001407587.1 and 1 more transcripts); c.5434G>C, p.Asp1812His (NM_001407610.1, NM_001407611.1, NM_001407612.1 and 14 more transcripts); c.5431G>C, p.Asp1811His (NM_001407629.1, NM_001407630.1, NM_001407631.1 and 13 more transcripts); c.5377G>C, p.Asp1793His (NM_001407649.1); c.5359G>C, p.Asp1787His (NM_001407652.1, NM_001407653.1, NM_001407654.1 and 1 more transcripts); c.5356G>C, p.Asp1786His (NM_001407656.1, NM_001407657.1, NM_001407658.1); and 83 more; short protein forms D1766H, D709H, D1813H, D1834H, R684T, D1686H, D1700H, D1765H.
Identifiers: ClinVar variation 867389 (VCV000867389.5), dbSNP rs1303996018, ClinGen allele CA10590551.

ClinVar aggregate classification (germline): Uncertain significance. Review status: criteria provided, multiple submitters, no conflicts (2 of 4 stars). 2 submissions from 2 submitters: Uncertain significance (2). Last evaluated 2026-03-12.

Conditions:
Hereditary cancer-predisposing syndrome. Also called: Tumor predisposition; Hereditary Cancer Syndrome; Hereditary neoplastic syndrome; Neoplastic Syndromes, Hereditary. Identifiers: Orphanet 140162, MedGen C0027672, MeSH D009386, MONDO:0015356.

Submissions (3):

Ambry Genetics
Classification: Uncertain significance for Hereditary cancer-predisposing syndrome. Last evaluated: 2026-03-12. Review status: criteria provided, single submitter. Criteria: Ambry Variant Classification Scheme 2023. Collection method: clinical testing. Allele origin: germline.
Comment: The p.D1813H variant (also known as c.5437G>C), located in coding exon 21 of the BRCA1 gene, results from a G to C substitution at nucleotide position 5437. The aspartic acid at codon 1813 is replaced by histidine, an amino acid with similar properties. One functional study found that this nucleotide substitution is intermediate in a high throughput genome editing haploid cell survival assay (Findlay GM et al. Nature, 2018 Oct;562:217-222). Transcriptional activation assays have reported a neutral or intermediate impact on function (Fernandes VC et al. J Biol Chem, 2019 Apr;294:5980-5992; Woods NT et al. NPJ Genom Med . 2016 Mar;1:16001; Carvalho RS et al. PLoS One, 2014 May;9:e97766). In addition, an integrated statistical and functional model reported this variant as VUS (Nepomuceno TC et al. JCO Clin Cancer Inform, 2024 May;8:e2300251). This nucleotide position is well conserved in available vertebrate species. This amino acid position is well conserved in available vertebrate species. In silico splice site analysis for this alteration is inconclusive, and direct evidence is insufficient at this time (Ambry internal data). In addition, as a missense, this alteration is predicted to be deleterious by in silico analysis. Based on the available evidence, the clinical significance of this variant remains unclear.

Quest Diagnostics Nichols Institute San Juan Capistrano
Classification: Uncertain significance. Last evaluated: 2019-09-12. Review status: criteria provided, single submitter. Criteria: Quest Diagnostics criteria. Collection method: clinical testing. Allele origin: unknown.

Brotman Baty Institute, University of Washington
No classification provided (evidence only). Condition: Breast-ovarian cancer, familial 1. Review status: no classification provided. Collection method: in vitro. Allele origin: not applicable. Functional consequence: function_uncertain_variant. Not counted in ClinVar's aggregate classification.
ClinVar note: "not provided" was previously submitted as the classification for the variant. However, the classification appeared to be based only on an observation of functional data so it was converted to no classification on 2025-07-30.

Literature cited by the submitters: PubMed 24845084 (cited by Ambry Genetics and Quest Diagnostics Nichols Institute San Juan Capistrano); PubMed 28781887 (cited by Ambry Genetics and Quest Diagnostics Nichols Institute San Juan Capistrano); PubMed 30209399 (cited by Ambry Genetics); PubMed 30765603 (cited by Ambry Genetics); PubMed 38709234 (cited by Ambry Genetics).